The following is an entry in ClinVar:

ClinVar aggregate classification (germline): Uncertain significance (1 of 4 stars; one submission).

Conditions:
RALGAPB-related disorder. Also called: RALGAPB-related condition.

Allele frequency attached by ClinVar (database versions not stated): TOPMed below 0.00001; gnomAD exomes 0.00001.
gnomAD v4.1: 7 of 1,613,438 alleles (0.00043%); highest among the groups gnomAD compares: Non-Finnish European, 0.00059%; no homozygotes.

Submission:

PreventionGenetics, part of Exact Sciences
Classification: Uncertain significance for RALGAPB-related condition. Last evaluated: 2023-07-26. Review status: criteria provided, single submitter. Criteria: ACMG Guidelines, 2015. Collection method: clinical testing. Allele origin: germline.
Comment: The RALGAPB c.811C>G variant is predicted to result in the amino acid substitution p.Pro271Ala. To our knowledge, this variant has not been reported in the literature or in a large population database, indicating this variant is rare. At this time, the clinical significance of this variant is uncertain due to the absence of conclusive functional and genetic evidence.

NM_020336.4(RALGAPB):c.811C>G (p.Pro271Ala)

Gene: RALGAPB (Ral GTPase activating protein non-catalytic subunit beta; plus strand). Cytogenetic location: 20q11.23.
Variant type: single nucleotide variant.
Coding change: c.811C>G on transcript NM_020336.4 (MANE Select); coding-DNA position 811, C replaced by G.
Protein change: p.Pro271Ala; replaces proline 271 with alanine.
Molecular consequence: missense variant.
Genome position (GRCh38, 1-based): chr20:38,509,147, C>G. VCF-style: chr20-38509147-C-G. GRCh37 (hg19) VCF-style: chr20-37137790-C-G.
Other names: c.811C>G, p.Pro271Ala (NM_001282917.2, NM_001282918.2); short protein forms P271A.
Identifiers: ClinVar variation 2631650 (VCV002631650.1), dbSNP rs2085858141, ClinGen allele CA408879734.